The following is an entry in ClinVar:

NM_001555.5(IGSF1):c.1330T>A (p.Ser444Thr)

Gene: IGSF1 (immunoglobulin superfamily member 1; minus strand). Cytogenetic location: Xq26.1.
Variant type: single nucleotide variant.
Coding change: c.1330T>A on transcript NM_001555.5 (MANE Select); coding-DNA position 1330, T replaced by A.
Protein change: p.Ser444Thr; replaces serine 444 with threonine.
Molecular consequence: missense variant.
Genome position (GRCh38, 1-based): chrX:131,281,861, A>T on the plus strand (T>A on the coding strand, the complement: IGSF1 is on the minus strand). VCF-style: chrX-131281861-A-T. GRCh37 (hg19) VCF-style: chrX-130415835-A-T.
Other names: c.1330T>A, p.Ser444Thr (NM_001170961.2); c.1303T>A, p.Ser435Thr (NM_001170962.2); short protein forms S435T, S444T.
Identifiers: ClinVar variation 2661445 (VCV002661445.24), dbSNP rs2522252826, ClinGen allele CA414574216.
Genomic context (GRCh38, chrX:131,281,861, plus strand): 5'-AGAATTTTTGGAATGTTTCTCTTTCTTCCCATTCCAGAGAAAATTCCAGTACTGGATGAG[A>T]TACTCGGCACTGAAGGGTGATGGCCTTTCCTAGCTTGAACACAGTGCTTGGCCAAGCTGA-3'
Protein context (NP_001546.2, residues 434-454): GKAITLQCRV[Ser444Thr]HPVLEFSLEW

ClinVar aggregate classification (germline): Uncertain significance (1 of 4 stars; one submission).

Allele frequency attached by ClinVar (database versions not stated): gnomAD exomes below 0.00001.
gnomAD v4.1: 2 of 1,209,079 alleles (0.00017%); highest among the groups gnomAD compares: Non-Finnish European, 0.00022%; no homozygotes.

Submission:

CeGaT Center for Human Genetics Tuebingen
Classification: Uncertain significance. Last evaluated: 2025-10-01. Review status: criteria provided, single submitter. Criteria: CeGaT Center For Human Genetics Tuebingen Variant Classification Criteria Version 2. Collection method: clinical testing. Allele origin: germline. Affected: yes. Observed: 2 variant alleles.
Comment: IGSF1: PM2, BP4